The following is an entry in ClinVar:

ClinVar aggregate classification (germline): Pathogenic/Likely pathogenic. Review status: criteria provided, multiple submitters, no conflicts (2 of 4 stars). 2 submissions from 2 submitters: Pathogenic (1); Likely pathogenic (1). Last evaluated 2024-02-23.

Conditions:
Enhanced S-cone syndrome (ESCS). Identifiers: Orphanet 53540, MedGen C1849394, MONDO:0100288, MONDO:0009989.

Submissions (2):

Natera, Inc.
Classification: Likely pathogenic for Enhanced S cone syndrome. Last evaluated: 2024-02-23. Review status: criteria provided, single submitter. Criteria: Natera Variant Classification Schema (03/2026). Collection method: clinical testing. Allele origin: germline.
Comment: The c.1101delG variant in NR2E3 is a frameshift variant predicted to shift the reading frame beginning at codon 367 and leads to a stop codon 12 codons downstream. This variant is expected to result in nonsense mediated decay, truncation, or a dysfunctional protein product. This variant is rare in the general population with a frequency below the threshold expected for the associated phenotype(s). Given the available evidence, this variant is classified as Likely Pathogenic.

Labcorp Genetics (formerly Invitae), Labcorp
Classification: Pathogenic. Last evaluated: 2022-11-08. Review status: criteria provided, single submitter. Criteria: Invitae Variant Classification Sherloc (09022015). Collection method: clinical testing. Allele origin: germline.
Comment: This variant disrupts a region of the NR2E3 protein in which other variant(s) (p.Asp406Gly) have been determined to be pathogenic (PMID: 24891813; Invitae). This suggests that this is a clinically significant region of the protein, and that variants that disrupt it are likely to be disease-causing. For these reasons, this variant has been classified as Pathogenic. Algorithms developed to predict the effect of sequence changes on RNA splicing suggest that this variant may disrupt the consensus splice site. This variant has not been reported in the literature in individuals affected with NR2E3-related conditions. This variant is present in population databases (no rsID available, gnomAD 0.006%). This sequence change creates a premature translational stop signal (p.Arg367Serfs*12) in the NR2E3 gene. While this is not anticipated to result in nonsense mediated decay, it is expected to disrupt the last 44 amino acid(s) of the NR2E3 protein.

Literature cited by the submitters: PubMed 24891813 (cited by Labcorp Genetics (formerly Invitae), Labcorp).

NM_014249.3(NR2E3):c.1101delG

Gene: NR2E3 (nuclear receptor subfamily 2 group E member 3; plus strand). Cytogenetic location: 15q23.
Variant type: Deletion.
Coding change: c.1101delG on transcript NM_014249.3; coding-DNA position 1101, one base deleted (G).
Genome position (GRCh38, 1-based): chr15:71,817,552, G deleted; the last of 2 consecutive G bases (chr15:71,817,551-71,817,552); deleting either gives the same sequence. VCF-style (leftmost placement, unchanged base first): chr15-71817550-AG-A. GRCh37 (hg19) VCF-style: chr15-72109891-AG-A.
Identifiers: ClinVar variation 1931456 (VCV001931456.6), dbSNP rs1252639614, ClinGen allele CA618749587.